The following is an entry in ClinVar:

ClinVar aggregate classification (germline): Uncertain significance (1 of 4 stars; one submission).

gnomAD v4.1: 2 of 1,613,438 alleles (0.00012%); highest among the groups gnomAD compares: Non-Finnish European, 0.000085%; no homozygotes.

Submission:

GeneDx
Classification: Uncertain significance. Last evaluated: 2024-03-13. Review status: criteria provided, single submitter. Criteria: GeneDx Variant Classification Process June 2021. Collection method: clinical testing. Allele origin: germline. Affected: yes.
Comment: Not observed at significant frequency in large population cohorts (gnomAD); In silico analysis supports that this missense variant has a deleterious effect on protein structure/function; Has not been previously published as pathogenic or benign to our knowledge

NM_013275.6(ANKRD11):c.341G>A (p.Arg114His)

Gene: ANKRD11 (ankyrin repeat domain containing 11; minus strand). Cytogenetic location: 16q24.3.
Variant type: single nucleotide variant.
Coding change: c.341G>A on transcript NM_013275.6 (MANE Select); coding-DNA position 341, G replaced by A.
Protein change: p.Arg114His; replaces arginine 114 with histidine.
Molecular consequence: missense variant. On other transcripts: non-coding transcript variant (1).
Genome position (GRCh38, 1-based): chr16:89,291,069, C>T on the plus strand (G>A on the coding strand, the complement: ANKRD11 is on the minus strand). VCF-style: chr16-89291069-C-T. GRCh37 (hg19) VCF-style: chr16-89357477-C-T.
Other names: c.341G>A, p.Arg114His (NM_001256182.2, NM_001256183.2); short protein forms R114H.
Identifiers: ClinVar variation 3370905 (VCV003370905.1).